The following is an entry in ClinVar:

ClinVar aggregate classification (germline): Pathogenic/Likely pathogenic. Review status: criteria provided, multiple submitters, no conflicts (2 of 4 stars). 3 submissions from 3 submitters: Pathogenic (1); Likely pathogenic (2). Last evaluated 2024-02-24.

Conditions:
FANCE-related disorders.
Fanconi anemia complementation group E (FANCE). Also called: FANCE-Related Fanconi Anemia. Identifiers: Orphanet 84, MedGen C3160739, MONDO:0010953, OMIM 600901.

Allele frequency attached by ClinVar (database versions not stated): gnomAD exomes below 0.00001; TOPMed below 0.00001; gnomAD 0.00001.

Submissions (3):

Labcorp Genetics (formerly Invitae), Labcorp
Classification: Pathogenic for Fanconi anemia complementation group E. Last evaluated: 2024-02-24. Review status: criteria provided, single submitter. Criteria: Invitae Variant Classification Sherloc (09022015). Collection method: clinical testing. Allele origin: germline.
Comment: This sequence change creates a premature translational stop signal (p.Glu212Glyfs*84) in the FANCE gene. It is expected to result in an absent or disrupted protein product. Loss-of-function variants in FANCE are known to be pathogenic (PMID: 11001585, 17924555). This variant is not present in population databases (gnomAD no frequency). This variant has not been reported in the literature in individuals affected with FANCE-related conditions. For these reasons, this variant has been classified as Pathogenic.

Blueprint Genetics
Classification: Likely pathogenic for FANCE-related disorders. Last evaluated: 2023-09-01. Review status: criteria provided, single submitter. Criteria: ACMG Guidelines, 2015. Collection method: clinical testing. Allele origin: germline. Affected: yes. Observed: 1 variant allele.

Baylor Genetics
Classification: Likely pathogenic for Fanconi anemia complementation group E. Last evaluated: 2023-01-07. Review status: criteria provided, single submitter. Criteria: ACMG Guidelines, 2015. Collection method: clinical testing. Allele origin: unknown.

Literature cited by the submitters: PubMed 11001585 (cited by Labcorp Genetics (formerly Invitae), Labcorp); PubMed 17924555 (cited by Labcorp Genetics (formerly Invitae), Labcorp).

NM_021922.3(FANCE):c.635del (p.Glu212fs)

Gene: FANCE (FA complementation group E; plus strand). Cytogenetic location: 6p21.31.
Variant type: Deletion.
Coding change: c.635del on transcript NM_021922.3 (MANE Select); coding-DNA position 635, one base deleted (A; older notation c.635delA).
Protein change: p.Glu212fs; shifts the reading frame from glutamic acid 212.
Molecular consequence: frameshift variant.
Genome position (GRCh38, 1-based): chr6:35,456,133, A deleted. VCF-style (leftmost placement, unchanged base first): chr6-35456132-GA-G. GRCh37 (hg19) VCF-style: chr6-35423909-GA-G.
Other names: c.635del, p.Glu212fs (NM_001410876.1); short protein forms E212fs.
Identifiers: ClinVar variation 2675547 (VCV002675547.4), dbSNP rs1408598940, ClinGen allele CA450123838.